The following is an entry in ClinVar:

ClinVar aggregate classification (germline): Uncertain significance (1 of 4 stars; one submission).

Submission:

GeneDx
Classification: Uncertain significance. Last evaluated: 2024-05-16. Review status: criteria provided, single submitter. Criteria: GeneDx Variant Classification Process June 2021. Collection method: clinical testing. Allele origin: germline. Affected: yes.
Comment: Not observed at significant frequency in large population cohorts (gnomAD); In silico analysis indicates that this missense variant does not alter protein structure/function; Has not been previously published as pathogenic or benign to our knowledge

NM_015001.3(SPEN):c.10873G>A (p.Val3625Met)

Gene: SPEN (spen family transcriptional repressor; plus strand). Cytogenetic location: 1p36.13.
Variant type: single nucleotide variant.
Coding change: c.10873G>A on transcript NM_015001.3 (MANE Select); coding-DNA position 10873, G replaced by A.
Protein change: p.Val3625Met; replaces valine 3625 with methionine.
Molecular consequence: missense variant.
Genome position (GRCh38, 1-based): chr1:15,939,305, G>A. VCF-style: chr1-15939305-G-A. GRCh37 (hg19) VCF-style: chr1-16265800-G-A.
Other names: short protein forms V3625M.
Identifiers: ClinVar variation 3378248 (VCV003378248.1).